The following is an entry in ClinVar:

ClinVar aggregate classification (germline): Pathogenic (1 of 4 stars; one submission).

Submission:

Labcorp Genetics (formerly Invitae), Labcorp
Classification: Pathogenic. Last evaluated: 2021-10-13. Review status: criteria provided, single submitter. Criteria: Invitae Variant Classification Sherloc (09022015). Collection method: clinical testing. Allele origin: germline.
Comment: A gross deletion of the genomic region encompassing the full coding sequence of the CEP250 gene has been identified. Loss-of-function variants in CEP250 are known to be pathogenic (PMID: 24780881, 29718797). The boundaries of this event are unknown as they extend beyond the assayed region for this gene and therefore may encompass additional genes. This variant has not been reported in the literature in individuals affected with CEP250-related conditions. For these reasons, this variant has been classified as Pathogenic.

Literature cited by the submitters: PubMed 24780881; PubMed 29718797.

NC_000020.10:g.(?_31189994)_(34287210_?)del

Genes: EFCAB8 (EF-hand calcium binding domain 8; plus strand), EIF2S2 (eukaryotic translation initiation factor 2 subunit beta; minus strand), EIF6 (eukaryotic translation initiation factor 6; minus strand), ERGIC3 (ERGIC and golgi 3; plus strand), MAP1LC3A (microtubule associated protein 1 light chain 3 alpha; plus strand) and 50 more. Cytogenetic location: 20q11.21-11.22.
Variant type: Deletion.
Identifiers: ClinVar variation 1457888 (VCV001457888.1).